The following is an entry in ClinVar:

NM_000059.4(BRCA2):c.6596C>G (p.Thr2199Ser)

Gene: BRCA2 (BRCA2 DNA repair associated; plus strand). Cytogenetic location: 13q13.1.
Variant type: single nucleotide variant.
Coding change: c.6596C>G on transcript NM_000059.4 (MANE Select); coding-DNA position 6596, C replaced by G.
Protein change: p.Thr2199Ser; replaces threonine 2199 with serine.
Molecular consequence: missense variant.
Genome position (GRCh38, 1-based): chr13:32,340,951, C>G. VCF-style: chr13-32340951-C-G. GRCh37 (hg19) VCF-style: chr13-32915088-C-G.
Other names: short protein forms T2199S.
Identifiers: ClinVar variation 1473314 (VCV001473314.9), dbSNP rs2137528906, ClinGen allele CA387790059.
Genomic context (GRCh38, chr13:32,340,951, plus strand): 5'-TTTTGGGAAAAGAACAGGCTTCACCTAAAAACGTAAAAATGGAAATTGGTAAAACTGAAA[C>G]TTTTTCTGATGTTCCTGTGAAAACAAATATAGAAGTTTGTTCTACTTACTCCAAAGATTC-3'
Protein context (NP_000050.3, residues 2189-2209): NVKMEIGKTE[Thr2199Ser]FSDVPVKTNI

ClinVar aggregate classification (germline): Conflicting classifications of pathogenicity. Review status: criteria provided, conflicting classifications (1 of 4 stars). 2 submissions from 2 submitters: Uncertain significance (1); Likely benign (1). Last evaluated 2023-03-23.

Conditions:
Hereditary cancer-predisposing syndrome. Also called: Neoplastic Syndromes, Hereditary; Hereditary Cancer Syndrome; Tumor predisposition; Hereditary neoplastic syndrome. Identifiers: Orphanet 140162, MedGen C0027672, MeSH D009386, MONDO:0015356.
Hereditary breast ovarian cancer syndrome. Also called: Breast and ovarian cancer; Hereditary breast and ovarian cancer; Hereditary breast and ovarian cancer syndrome; Hereditary breast and ovarian cancer syndrome (HBOC); BRCA1- and BRCA2-Associated Hereditary Breast and Ovarian Cancer; Hereditary breast and/or ovarian cancer syndrome. Identifiers: Orphanet 145, MedGen C0677776, MeSH D061325, MONDO:0003582. Disease mechanism: loss of function.

Submissions (2):

University of Washington Department of Laboratory Medicine, University of Washington
Classification: Likely benign for Hereditary cancer-predisposing syndrome. Last evaluated: 2023-03-23. Review status: criteria provided, single submitter. Criteria: Dines et al. (Genet Med. 2020). Collection method: curation. Allele origin: germline.
Comment: Missense variant in a coldspot region where missense variants are very unlikely to be pathogenic (PMID:31911673).

BRCA2 exon 11 coldspot. Reclassification based on statistical prior probability.

Labcorp Genetics (formerly Invitae), Labcorp
Classification: Uncertain significance for Hereditary breast ovarian cancer syndrome. Last evaluated: 2021-01-19. Review status: criteria provided, single submitter. Criteria: Invitae Variant Classification Sherloc (09022015). Collection method: clinical testing. Allele origin: germline.
Comment: In summary, the available evidence is currently insufficient to determine the role of this variant in disease. Therefore, it has been classified as a Variant of Uncertain Significance. This variant has not been reported in the literature in individuals with BRCA2-related conditions. This sequence change replaces threonine with serine at codon 2199 of the BRCA2 protein (p.Thr2199Ser). The threonine residue is weakly conserved and there is a small physicochemical difference between threonine and serine. This variant is not present in population databases (ExAC no frequency). Advanced modeling of protein sequence and biophysical properties (such as structural, functional, and spatial information, amino acid conservation, physicochemical variation, residue mobility, and thermodynamic stability) performed at Invitae indicates that this missense variant is not expected to disrupt BRCA2 protein function.